The following is an entry in ClinVar:

ClinVar aggregate classification (germline): Likely pathogenic (1 of 4 stars; one submission).

Conditions:
Adams-Oliver syndrome 2 (AOS2). Identifiers: Orphanet 974, MedGen C3280182, MONDO:0013635, OMIM 614219.

Submission:

MVZ Praenatalmedizin und Genetik Nuernberg
Classification: Likely pathogenic for Adams-Oliver syndrome 2. Last evaluated: 2023-06-19. Review status: criteria provided, single submitter. Criteria: ACMG Guidelines, 2015. Collection method: clinical testing. Allele origin: biparental. Affected: yes.
Comment: Tetralogy of Fallot (TOF), high-lying VSD and symmetrical growth retardation. The variant is located in exon 37 of 48 and leads to a premature stop codon. It has not yet been described in gnomAD, ClinVar, or the literature. According to ClinVar, the majority of (likely) pathogenic DOCK6 point mutations are truncating variants, many of which are also located downstream of the variant detected here. Loss of function is therefore a typical pathomechanism. In summary, based on the current data, we assess this to be a likely pathogenic variant.

NM_020812.4(DOCK6):c.4708G>T (p.Glu1570Ter)

Genes: DOCK6-AS1 (DOCK6 antisense RNA 1; plus strand), DOCK6 (dedicator of cytokinesis 6; minus strand). Cytogenetic location: 19p13.2.
Variant type: single nucleotide variant.
Coding change: c.4708G>T on transcript NM_020812.4 (MANE Select); coding-DNA position 4708, G replaced by T.
Protein change: p.Glu1570Ter; replaces glutamic acid 1570 with a stop codon.
Molecular consequence: nonsense.
Genome position (GRCh38, 1-based): chr19:11,211,819, C>A on the plus strand (G>T on the coding strand, the complement: DOCK6 is on the minus strand). VCF-style: chr19-11211819-C-A. GRCh37 (hg19) VCF-style: chr19-11322495-C-A.
Other names: c.4813G>T, p.Glu1605Ter (NM_001367830.1); short protein forms E1570*, E1605*.
Identifiers: ClinVar variation 4813489 (VCV004813489.1).